The following is an entry in ClinVar:

ClinVar aggregate classification (germline): Benign. Review status: criteria provided, single submitter (1 of 4 stars). 2 submissions from 2 submitters: Benign (1). 1 of the submissions does not count toward it. Last evaluated 2018-10-27.

Conditions:
UGT1A1-related disorder. Also called: UGT1A1-related disorders; UGT1A1-related condition.

Allele frequency attached by ClinVar (database versions not stated): gnomAD exomes 0.00202; gnomAD 0.02115 and 0.02267; TOPMed 0.02347; 1000 Genomes Project 0.02736; 1000 Genomes Project 30x 0.02920.
gnomAD v4.1: 6,144 of 1,550,378 alleles (0.4%); highest among the groups gnomAD compares: African/African-American, 7.4%; 201 homozygotes.

Submissions (2):

GeneDx
Classification: Benign. Last evaluated: 2018-10-27. Review status: criteria provided, single submitter. Criteria: GeneDx Variant Classification Process June 2021. Collection method: clinical testing. Allele origin: germline. Affected: yes.

PreventionGenetics, part of Exact Sciences
Classification: Benign for UGT1A1-related condition. Last evaluated: 2023-06-22. Review status: no assertion criteria provided. Collection method: clinical testing. Allele origin: germline. Not counted in ClinVar's aggregate classification.
Comment: This variant is classified as benign based on ACMG/AMP sequence variant interpretation guidelines (Richards et al. 2015 PMID: 25741868, with internal and published modifications).

NM_019076.5(UGT1A8):c.856-6852T>C

Genes: UGT1A4 (UDP glucuronosyltransferase family 1 member A4; plus strand), UGT1A5 (UDP glucuronosyltransferase family 1 member A5; plus strand), UGT1A9 (UDP glucuronosyltransferase family 1 member A9; plus strand), UGT1A6 (UDP glucuronosyltransferase family 1 member A6; plus strand), UGT1A7 (UDP glucuronosyltransferase family 1 member A7; plus strand) and 5 more. Cytogenetic location: 2q37.1.
Variant type: single nucleotide variant.
Coding change: c.856-6852T>C on transcript NM_019076.5 (MANE Select); 6852 bases into the intron before coding-DNA position 856, T replaced by C.
Molecular consequence: intron variant.
Genome position (GRCh38, 1-based): chr2:233,760,182, T>C. VCF-style: chr2-233760182-T-C. GRCh37 (hg19) VCF-style: chr2-234668828-T-C.
Other names: c.856-6852T>C (NM_019075.4, NM_021027.3, NM_019077.3); c.61-6852T>C (NM_205862.3); c.862-6852T>C (NM_001072.4); c.868-6852T>C (NM_019078.2, NM_007120.3, NM_019093.4).
Identifiers: ClinVar variation 1265916 (VCV001265916.4), dbSNP rs34547608, ClinGen allele CA11283543.